The following is an entry in ClinVar:

ClinVar aggregate classification (germline): Benign/Likely benign. Review status: criteria provided, multiple submitters, no conflicts (2 of 4 stars). 9 submissions from 9 submitters: Benign (4); Likely benign (4). 1 of the submissions does not count toward it. Last evaluated 2026-01-31.

Conditions:
COL6A3-related disorder. Also called: COL6A3-related condition; COL6A3-related disorders.
Collagen 6-related myopathy. Identifiers: MedGen CN117976, MONDO:0100225.
Bethlem myopathy 1A. Also called: MYOPATHY, BENIGN CONGENITAL, WITH CONTRACTURES; Bethlem myopathy 1; Bethlem Muscular Dystrophy. Identifiers: Orphanet 610, MedGen CN029274, MONDO:0024530, OMIM 158810.

Allele frequency attached by ClinVar (database versions not stated): gnomAD exomes 0.00040 and 0.00101; ExAC 0.00103; gnomAD 0.00312 and 0.00339; ESP Exome Variant Server 0.00346; 1000 Genomes Project 0.00359; TOPMed 0.00388; 1000 Genomes Project 30x 0.00390.
gnomAD v4.1: 1,110 of 1,614,194 alleles (0.069%); highest among the groups gnomAD compares: African/African-American, 1%; 6 homozygotes.

Submissions (9):

Labcorp Genetics (formerly Invitae), Labcorp
Classification: Benign for Bethlem myopathy 1A. Last evaluated: 2026-01-31. Review status: criteria provided, single submitter. Criteria: Invitae Variant Classification Sherloc (09022015). Collection method: clinical testing. Allele origin: germline.

Blueprint Genetics
Classification: Likely benign. Last evaluated: 2024-11-26. Review status: criteria provided, single submitter. Criteria: ACMG Guidelines, 2015. Collection method: clinical testing. Allele origin: germline.

Mayo Clinic Laboratories, Mayo Clinic
Classification: Benign. Last evaluated: 2024-08-09. Review status: criteria provided, single submitter. Criteria: ACMG Guidelines, 2015. Collection method: clinical testing. Allele origin: germline. Observed: 4 variant alleles.
Comment: BS1, BS2, BP4, BP7

CeGaT Center for Human Genetics Tuebingen
Classification: Likely benign. Last evaluated: 2023-03-01. Review status: criteria provided, single submitter. Criteria: CeGaT Center For Human Genetics Tuebingen Variant Classification Criteria Version 2. Collection method: clinical testing. Allele origin: germline. Affected: yes. Observed: 2 variant alleles.
Comment: COL6A3: BP4, BP7

GeneDx
Classification: Likely benign. Last evaluated: 2021-09-17. Review status: criteria provided, single submitter. Criteria: GeneDx Variant Classification Process June 2021. Collection method: clinical testing. Allele origin: germline. Affected: yes.
Comment: This variant is associated with the following publications: (PMID: 15689448)

Illumina Laboratory Services, Illumina
Classification: Benign for Collagen VI-related myopathy. Last evaluated: 2018-01-13. Review status: criteria provided, single submitter. Criteria: ICSL Variant Classification Criteria 13 December 2019. Collection method: clinical testing. Allele origin: germline.
Comment: This variant was observed in the ICSL laboratory as part of a predisposition screen in an ostensibly healthy population. It had not been previously curated by ICSL or reported in the Human Gene Mutation Database (HGMD: prior to June 1st, 2018), and was therefore a candidate for classification through an automated scoring system. Utilizing variant allele frequency, disease prevalence and penetrance estimates, and inheritance mode, an automated score was calculated to assess if this variant is too frequent to cause the disease. Based on the score and internal cut-off values, a variant classified as benign is not then subjected to further curation. The score for this variant resulted in a classification of benign for this disease.

Eurofins Ntd Llc (ga)
Classification: Benign. Last evaluated: 2015-01-15. Review status: criteria provided, single submitter. Criteria: EGL Classification Definitions 2015. Collection method: clinical testing. Allele origin: germline. Observed: 1 variant allele, 1 heterozygote.

Breakthrough Genomics
Classification: Likely benign. Review status: criteria provided, single submitter. Criteria: ACMG Guidelines, 2015. Collection method: not provided. Allele origin: germline. Inheritance: Autosomal recessive inheritance. Affected: yes.

PreventionGenetics, part of Exact Sciences
Classification: Benign for COL6A3-related condition. Last evaluated: 2019-05-22. Review status: no assertion criteria provided. Collection method: clinical testing. Allele origin: germline. Not counted in ClinVar's aggregate classification.
Comment: This variant is classified as benign based on ACMG/AMP sequence variant interpretation guidelines (Richards et al. 2015 PMID: 25741868, with internal and published modifications).

NM_004369.4(COL6A3):c.8346G>A (p.Glu2782=)

Gene: COL6A3 (collagen type VI alpha 3 chain; minus strand). Cytogenetic location: 2q37.3.
Variant type: single nucleotide variant.
Coding change: c.8346G>A on transcript NM_004369.4 (MANE Select); coding-DNA position 8346, G replaced by A.
Protein change: p.Glu2782=; no amino-acid change (glutamic acid 2782 retained).
Molecular consequence: synonymous variant.
Genome position (GRCh38, 1-based): chr2:237,340,570, C>T on the plus strand (G>A on the coding strand, the complement: COL6A3 is on the minus strand). VCF-style: chr2-237340570-C-T. GRCh37 (hg19) VCF-style: chr2-238249213-C-T.
Other names: p.Glu2782=; c.6525G>A, p.Glu2175= (NM_057166.5); c.7728G>A, p.Glu2576= (NM_057167.4).
Identifiers: ClinVar variation 197032 (VCV000197032.49), dbSNP rs35911211, ClinGen allele CA202668.